The following is an entry in ClinVar:

NM_001291303.3(FAT4):c.10468C>A (p.Pro3490Thr)

Gene: FAT4 (FAT atypical cadherin 4; plus strand). Cytogenetic location: 4q28.1.
Variant type: single nucleotide variant.
Coding change: c.10468C>A on transcript NM_001291303.3 (MANE Select); coding-DNA position 10468, C replaced by A.
Protein change: p.Pro3490Thr; replaces proline 3490 with threonine.
Molecular consequence: missense variant.
Genome position (GRCh38, 1-based): chr4:125,451,478, C>A. VCF-style: chr4-125451478-C-A. GRCh37 (hg19) VCF-style: chr4-126372633-C-A.
Other names: c.10468C>A (NM_001291303.1); c.10468C>A, p.Pro3490Thr (NM_001291285.3); c.10462C>A, p.Pro3488Thr (NM_024582.6); short protein forms P3488T, P3490T.
Identifiers: ClinVar variation 1011847 (VCV001011847.4), dbSNP rs1227571012, ClinGen allele CA358158729.

ClinVar aggregate classification (germline): Uncertain significance. Review status: criteria provided, multiple submitters, no conflicts (2 of 4 stars). 2 submissions from 2 submitters: Uncertain significance (2). Last evaluated 2025-09-13.

Conditions:
FAT4-related disorder. Also called: FAT4-related condition.

Allele frequency attached by ClinVar (database versions not stated): TOPMed below 0.00001.
gnomAD v4.1: 4 of 1,614,084 alleles (0.00025%); highest among the groups gnomAD compares: Admixed American, 0.005%; no homozygotes.

Submissions (2):

PreventionGenetics, part of Exact Sciences
Classification: Uncertain significance for FAT4-related condition. Last evaluated: 2025-09-13. Review status: criteria provided, single submitter. Criteria: ACMG Guidelines, 2015. Collection method: clinical testing. Allele origin: germline.
Comment: The FAT4 c.10468C>A variant is predicted to result in the amino acid substitution p.Pro3490Thr. To our knowledge, this variant has not been reported in the literature or in a large population database (gnomAD), indicating this variant is rare. At this time, the clinical significance of this variant is uncertain due to the absence of conclusive functional and genetic evidence.

Labcorp Genetics (formerly Invitae), Labcorp
Classification: Uncertain significance. Last evaluated: 2024-11-05. Review status: criteria provided, single submitter. Criteria: Invitae Variant Classification Sherloc (09022015). Collection method: clinical testing. Allele origin: germline.
Comment: This sequence change replaces proline, which is neutral and non-polar, with threonine, which is neutral and polar, at codon 3488 of the FAT4 protein (p.Pro3488Thr). This variant is not present in population databases (gnomAD no frequency). This variant has not been reported in the literature in individuals affected with FAT4-related conditions. ClinVar contains an entry for this variant (Variation ID: 1011847). An algorithm developed to predict the effect of missense changes on protein structure and function (PolyPhen-2) suggests that this variant is likely to be disruptive. In summary, the available evidence is currently insufficient to determine the role of this variant in disease. Therefore, it has been classified as a Variant of Uncertain Significance.